The following is an entry in ClinVar:

ClinVar aggregate classification (germline): Likely pathogenic (1 of 4 stars; one submission).

Conditions:
Immunodeficiency, common variable, 10. Also called: IMMUNODEFICIENCY, COMMON VARIABLE, WITH CENTRAL ADRENAL INSUFFICIENCY; DEFICIT IN ANTERIOR PITUITARY FUNCTION AND VARIABLE IMMUNODEFICIENCY. Identifiers: MedGen C3809991, MONDO:0014260, OMIM 615577.

Submission:

Labcorp Genetics (formerly Invitae), Labcorp
Classification: Likely pathogenic for Immunodeficiency, common variable, 10. Last evaluated: 2021-10-01. Review status: criteria provided, single submitter. Criteria: Invitae Variant Classification Sherloc (09022015). Collection method: clinical testing. Allele origin: germline.
Comment: This sequence change creates a premature translational stop signal (p.Asp865Glufs*20) in the NFKB2 gene. While this is not anticipated to result in nonsense mediated decay, it is expected to disrupt the last 36 amino acid(s) of the NFKB2 protein. This variant is not present in population databases (ExAC no frequency). This variant has not been reported in the literature in individuals affected with NFKB2-related conditions. ClinVar contains an entry for this variant (Variation ID: 935289). Algorithms developed to predict the effect of sequence changes on RNA splicing suggest that this variant may create or strengthen a splice site. Studies have shown that processing of p100 into active p52 depends upon phosphorylation of two conserved serine residues at amino acids 866 and 870 (PMID: 16303288, 24140114). This suggests that this frameshift variant, which disrupts both of these residues, is likely to prevent appropriate p100 phosphorylation and processing. In summary, the currently available evidence indicates that the variant is pathogenic, but additional data are needed to prove that conclusively. Therefore, this variant has been classified as Likely Pathogenic.

Literature cited by the submitters: PubMed 16303288; PubMed 24140114.

NM_001322934.2(NFKB2):c.2595_2596del (p.Asp865fs)

Gene: NFKB2 (nuclear factor kappa B subunit 2; plus strand). Cytogenetic location: 10q24.32.
Variant type: Deletion.
Coding change: c.2595_2596del on transcript NM_001322934.2 (MANE Select); coding-DNA positions 2595 to 2596, 2 bases deleted (CA; older notation c.2595_2596delCA).
Protein change: p.Asp865fs; shifts the reading frame from aspartic acid 865.
Molecular consequence: frameshift variant.
Genome position (GRCh38, 1-based): chr10:102,402,268-102,402,269, CA deleted; deleting any 2 consecutive bases within chr10:102,402,267-102,402,269 gives the same sequence; the c. name uses the placement nearest the transcript's 3' end. VCF-style (leftmost placement, unchanged base first): chr10-102402266-GAC-G. GRCh37 (hg19) VCF-style: chr10-104162023-GAC-G.
Other names: c.2595_2596del, p.Asp865fs (NM_001077494.3); c.2592_2593del, p.Asp864fs (NM_001261403.3, NM_001288724.1, NM_002502.6); c.2469_2470del, p.Asp823fs (NM_001322935.1); short protein forms D823fs, D865fs, D864fs.
Identifiers: ClinVar variation 935289 (VCV000935289.3), dbSNP rs2061278560, ClinGen allele CA1139661666.